The following is an entry in ClinVar:

NM_000038.6(APC):c.4654delinsAA (p.Glu1552fs)

Gene: APC (APC regulator of Wnt signaling pathway; plus strand). Cytogenetic location: 5q22.2.
Variant type: Indel.
Coding change: c.4654delinsAA on transcript NM_000038.6 (MANE Select); coding-DNA position 4654, G replaced by AA.
Protein change: p.Glu1552fs; shifts the reading frame from glutamic acid 1552.
Molecular consequence: frameshift variant. On other transcripts: non-coding transcript variant (2).
Genome position (GRCh38, 1-based): chr5:112,840,248, G replaced by AA. VCF-style: chr5-112840248-G-AA. GRCh37 (hg19) VCF-style: chr5-112175945-G-AA.
Other names: c.4654delinsAA, p.Glu1552fs (NM_001127510.3, NM_001354895.2, NM_001407450.1); c.4600delinsAA, p.Glu1534fs (NM_001127511.3); c.4708delinsAA, p.Glu1570fs (NM_001354896.2, NM_001407447.1, NM_001407448.1 and 1 more transcripts); c.4684delinsAA, p.Glu1562fs (NM_001354897.2); c.4579delinsAA, p.Glu1527fs (NM_001354898.2); c.4570delinsAA, p.Glu1524fs (NM_001354899.2); c.4531delinsAA, p.Glu1511fs (NM_001354900.2); c.4477delinsAA, p.Glu1493fs (NM_001354901.2, NM_001407453.1); and 11 more; short protein forms E1168fs, E1269fs, E1392fs, E1423fs, E1426fs, E1451fs, E1461fs, E1469fs.
Identifiers: ClinVar variation 2583609 (VCV002583609.1), dbSNP rs2533589501, ClinGen allele CA2582341333.
Genomic context (GRCh38, chr5:112,840,248, plus strand): 5'-GACAATGGGAATGAAACAGAATCAGAGCAGCCTAAAGAATCAAATGAAAACCAAGAGAAA[G>AA]AGGCAGAAAAAACTATTGATTCTGAAAAGGACCTATTAGATGATTCAGATGATGATGATA-3'

ClinVar aggregate classification (germline): Pathogenic (1 of 4 stars; one submission).

Conditions:
Familial adenomatous polyposis 1 (FAP1). Also called: POLYPOSIS, ADENOMATOUS INTESTINAL; FAMILIAL ADENOMATOUS POLYPOSIS 1, ATTENUATED. Identifiers: MedGen C2713442, MONDO:0021056, OMIM 175100. Disease mechanism: loss of function.

Submission:

Myriad Genetics, Inc.
Classification: Pathogenic for Familial adenomatous polyposis 1. Last evaluated: 2023-05-11. Review status: criteria provided, single submitter. Criteria: Myriad Autosomal Dominant, Autosomal Recessive and X-Linked Classification Criteria (2023). Collection method: clinical testing. Allele origin: unknown.
Comment: This variant is considered pathogenic. This variant creates a frameshift predicted to result in premature protein truncation.